The following is an entry in ClinVar:

NM_000517.6(HBA2):c.95+1G>A

Genes: HBA2 (hemoglobin subunit alpha 2; plus strand), LOC106804612 (hemoglobin subunit alpha 2 recombination region; plus strand). Cytogenetic location: 16p13.3.
Variant type: single nucleotide variant.
Coding change: c.95+1G>A on transcript NM_000517.6 (MANE Select); the canonical splice donor site of the intron after coding-DNA position 95, G replaced by A.
Molecular consequence: splice donor variant.
Genome position (GRCh38, 1-based): chr16:173,008, G>A. VCF-style: chr16-173008-G-A. GRCh37 (hg19) VCF-style: chr16-223007-G-A.
Other names: c.95+1G>A (NM_000517.5).
Identifiers: ClinVar variation 439126 (VCV000439126.12), dbSNP rs63750158, ClinGen allele CA393993203.

ClinVar aggregate classification (germline): Pathogenic. Review status: criteria provided, multiple submitters, no conflicts (2 of 4 stars). 3 submissions from 3 submitters: Pathogenic (3). Last evaluated 2026-01-14.

Conditions:
alpha Thalassemia. Also called: Alpha thalassemia spectrum. Identifiers: Orphanet 846, MedGen C0002312, MONDO:0011399, OMIM 604131.

Allele frequency attached by ClinVar (database versions not stated): gnomAD exomes 0.00002.

Submissions (3):

Natera, Inc.
Classification: Pathogenic for Alpha thalassemia. Last evaluated: 2026-01-14. Review status: criteria provided, single submitter. Criteria: Natera Variant Classification Schema (03/2026). Collection method: clinical testing. Allele origin: germline.
Comment: The c.95+1G>A variant in HBA2 is a canonical splice donor site variant predicted to affect pre-mRNA splicing, which may result in an abnormal transcript and altered protein product. This variant is expected to result in nonsense mediated decay, truncation, or a dysfunctional protein product. This variant is rare in the general population with a frequency below the threshold expected for the associated phenotype(s). This variant has been observed in one or more individuals affected with the associated recessive disease, as either homozygous or compound heterozygous with a second variant (PMID: 14632787). Given the available evidence, this variant is classified as Pathogenic.

ARUP Laboratories, Molecular Genetics and Genomics, ARUP Laboratories
Classification: Pathogenic. Last evaluated: 2018-12-20. Review status: criteria provided, single submitter. Criteria: ARUP Molecular Germline Variant Investigation Process. Collection method: clinical testing. Allele origin: germline.
Comment: The HBA2 c.95+1G>A variant (rs63750158) is reported in the literature in a sickle cell carrier with microcytic anemia and reduced Hb S levels (Waye 2009). An analogous c.95+1G>A variant in the HBA1 gene has also been reported in several individuals with Hb H disease that also carried the --SEA deletion (Harteveld 2000, Viprakasit 2014). The HBA2 c.95+1G>A variant is reported in ClinVar (Variation ID: 439126), and it is found on a single chromosome in the Genome Aggregation Database, indicating it is not a common polymorphism. This variant abolishes the canonical splice donor site of intron 1, and RNA studies indicate this leads to splicing at a cryptic splice donor, deletion of 49 nucleotides, and introduction of a premature stop codon (Harteveld 2000, Qadah 2014). Based on available information, this variant is considered to be pathogenic. References: Harteveld CL et al. alpha-thalassaemia as a result of a novel splice donor site mutation of the alpha1-globin gene. Br J Haematol. 2000 Sep;110(3):694-8. Qadah T et al. In vitro characterization of the a-thalassemia point mutation HBA2:c.95+1G>A [IVS-I-1(G>A) (a2)]. Hemoglobin. 2012;36(1):38-46. Viprakasit V et al. Clinical presentation and molecular identification of four uncommon alpha globin variants in Thailand. Initiation codon mutation of a2-globin Gene (HBA2:c.1delA), donor splice site mutation of a1-globin gene (IVSI-1, HBA1:c.95 + 1G>A), hemoglobin Queens Park/Chao Pra Ya (HBA1:c.98T>A) and hemoglobin Westmead (HBA2:c.369C>G). Acta Haematol. 2014;131(2):88-94. Waye JS et al. alpha-Thalassemia caused by two novel splice mutations of the alpha2-globin gene: IVS-I-1 (G>A and G>T). Hemoglobin. 2009;33(6):519-22.

Quest Diagnostics Nichols Institute San Juan Capistrano
Classification: Pathogenic. Last evaluated: 2017-07-13. Review status: criteria provided, single submitter. Criteria: Quest Diagnostics criteria. Collection method: clinical testing. Allele origin: germline.

Literature cited by the submitters: PubMed 14632787 (cited by Natera, Inc.); PubMed 19958200 (cited by Quest Diagnostics Nichols Institute San Juan Capistrano); PubMed 21967524 (cited by Quest Diagnostics Nichols Institute San Juan Capistrano); PubMed 10997982 (cited by Quest Diagnostics Nichols Institute San Juan Capistrano); PubMed 24081251 (cited by Quest Diagnostics Nichols Institute San Juan Capistrano).